The following is an entry in ClinVar:

NM_001079802.2(FKTN):c.1256T>C (p.Ile419Thr)

Gene: FKTN (fukutin; plus strand). Cytogenetic location: 9q31.2.
Variant type: single nucleotide variant.
Coding change: c.1256T>C on transcript NM_001079802.2 (MANE Select); coding-DNA position 1256, T replaced by C.
Protein change: p.Ile419Thr; replaces isoleucine 419 with threonine.
Molecular consequence: missense variant. On other transcripts: 3 prime UTR variant (1), non-coding transcript variant (2).
Genome position (GRCh38, 1-based): chr9:105,635,134, T>C. VCF-style: chr9-105635134-T-C. GRCh37 (hg19) VCF-style: chr9-108397415-T-C.
Other names: c.1256T>C, p.Ile419Thr (NM_001198963.2, NM_001351496.2, NM_006731.2); c.1187T>C, p.Ile396Thr (NM_001351497.2); c.*48T>C (NM_001351498.2); c.860T>C, p.Ile287Thr (NM_001351499.2, NM_001351500.2, NM_001351501.2 and 1 more transcripts); short protein forms I287T, I419T, I396T.
Identifiers: ClinVar variation 2161866 (VCV002161866.1), dbSNP rs2539942893, ClinGen allele CA374378187.
Genomic context (GRCh38, chr9:105,635,134, plus strand): 5'-TGTGCTGGACTGAGTTTGTAGACATGAAGGTCCATGTACCCTGTGAAACCCTCGAATACA[T>C]TGAAGCCAACTATGGTAAGACCTGGAAGATTCCTGTAAAGACGTGGGACTGGAAGCGCTC-3'
Protein context (NP_001073270.1, residues 409-429): VHVPCETLEY[Ile419Thr]EANYGKTWKI

ClinVar aggregate classification (germline): Uncertain significance (1 of 4 stars; one submission).

Conditions:
Walker-Warburg congenital muscular dystrophy. Also called: Muscular dystrophy-dystroglycanopathy, type A; Walker-Warburg syndrome. Identifiers: Orphanet 899, MedGen C0265221, MONDO:0000171.

Allele frequency attached by ClinVar (database versions not stated): gnomAD exomes below 0.00001.
gnomAD v4.1: 2 of 1,614,148 alleles (0.00012%); highest among the groups gnomAD compares: Non-Finnish European, 0.00017%; no homozygotes.

Submission:

Labcorp Genetics (formerly Invitae), Labcorp
Classification: Uncertain significance for Walker-Warburg congenital muscular dystrophy. Last evaluated: 2022-10-05. Review status: criteria provided, single submitter. Criteria: Invitae Variant Classification Sherloc (09022015). Collection method: clinical testing. Allele origin: germline.
Comment: This sequence change replaces isoleucine, which is neutral and non-polar, with threonine, which is neutral and polar, at codon 419 of the FKTN protein (p.Ile419Thr). This variant is not present in population databases (gnomAD no frequency). This variant has not been reported in the literature in individuals affected with FKTN-related conditions. Advanced modeling of protein sequence and biophysical properties (such as structural, functional, and spatial information, amino acid conservation, physicochemical variation, residue mobility, and thermodynamic stability) performed at Invitae indicates that this missense variant is expected to disrupt FKTN protein function. In summary, the available evidence is currently insufficient to determine the role of this variant in disease. Therefore, it has been classified as a Variant of Uncertain Significance.